The following is an entry in ClinVar:

NM_001370466.1(NOD2):c.552C>T (p.Ala184=)

Gene: NOD2 (nucleotide binding oligomerization domain containing 2; plus strand). Cytogenetic location: 16q12.1.
Variant type: single nucleotide variant.
Coding change: c.552C>T on transcript NM_001370466.1 (MANE Select); coding-DNA position 552, C replaced by T.
Protein change: p.Ala184=; no amino-acid change (alanine 184 retained).
Molecular consequence: synonymous variant. On other transcripts: non-coding transcript variant (1).
Genome position (GRCh38, 1-based): chr16:50,707,947, C>T. VCF-style: chr16-50707947-C-T. GRCh37 (hg19) VCF-style: chr16-50741858-C-T.
Other names: c.633C>T (LRG_177t1); c.552C>T, p.Ala184= (NM_001293557.2); c.633C>T, p.Ala211= (NM_022162.3).
Identifiers: ClinVar variation 319432 (VCV000319432.48), dbSNP rs5743269, ClinGen allele CA8051339.
Genomic context (GRCh38, chr16:50,707,947, plus strand): 5'-AGCGAATGGATTGGCTGCCTTCCTTCTACAACATGTTCAGGAATTACCAGTCCCATTGGC[C>T]CTGCCTTTGGAAGGTAGGTGTATGTTCTCAGTTAATCAGAAAGGGAAGGGCAGTCAGTGC-3'
Protein context (NP_001357395.1, residues 174-194): QHVQELPVPL[Ala184=]LPLEAATCKK

ClinVar aggregate classification (germline): Conflicting classifications of pathogenicity. Review status: criteria provided, conflicting classifications (1 of 4 stars). 9 submissions from 8 submitters: Uncertain significance (1); Benign (3); Likely benign (5). Last evaluated 2026-09-01.

Conditions:
Inborn genetic diseases. Identifiers: MedGen C0950123, MeSH D030342.
Blau syndrome (BLAUS). Also called: ARTHROCUTANEOUVEAL GRANULOMATOSIS; GRANULOMATOSIS, FAMILIAL JUVENILE SYSTEMIC; GRANULOMATOSIS, FAMILIAL, BLAU TYPE; GRANULOMATOUS INFLAMMATORY ARTHRITIS, DERMATITIS, AND UVEITIS, FAMILIAL; JABS SYNDROME. Identifiers: Orphanet 90340, MedGen C5201146, MONDO:0008523, OMIM 186580.
Autoinflammatory syndrome. Identifiers: Orphanet 93665, MedGen C3890737, MONDO:0019751.
Regional enteritis. Also called: Enteritis, Granulomatous. Identifiers: MedGen C0678202, MeSH D003424.
Inflammatory bowel disease 1 (IBD1). Also called: Inflammatory bowel disease 1, Crohn disease; INFLAMMATORY BOWEL DISEASE (CROHN DISEASE) 1. Identifiers: MedGen CN260071, MONDO:0009960, OMIM 266600.

Allele frequency attached by ClinVar (database versions not stated): 1000 Genomes Project 0.00080; ExAC 0.00080; gnomAD exomes 0.00087 and 0.00151; TOPMed 0.00089; gnomAD 0.00090 and 0.00092; 1000 Genomes Project 30x 0.00094; ESP Exome Variant Server 0.00123.

Submissions (9):

CeGaT Center for Human Genetics Tuebingen
Classification: Likely benign. Last evaluated: 2026-09-01. Review status: criteria provided, single submitter. Criteria: CeGaT Center For Human Genetics Tuebingen Variant Classification Criteria Version 2. Collection method: clinical testing. Allele origin: germline. Affected: yes. Observed: 3 variant alleles.
Comment: NOD2: BP4, BP7

Labcorp Genetics (formerly Invitae), Labcorp
Classification: Benign for Regional enteritis; Blau syndrome. Last evaluated: 2026-01-31. Review status: criteria provided, single submitter. Criteria: Invitae Variant Classification Sherloc (09022015). Collection method: clinical testing. Allele origin: germline.

Women's Health and Genetics/Laboratory Corporation of America, LabCorp
Classification: Benign. Last evaluated: 2025-04-22. Review status: criteria provided, single submitter. Criteria: LabCorp Variant Classification Summary - May 2015. Collection method: clinical testing. Allele origin: germline.

Blueprint Genetics
Classification: Likely benign. Last evaluated: 2024-10-17. Review status: criteria provided, single submitter. Criteria: ACMG Guidelines, 2015. Collection method: clinical testing. Allele origin: germline.

Ambry Genetics
Classification: Likely benign for Inborn genetic diseases. Last evaluated: 2023-05-23. Review status: criteria provided, single submitter. Criteria: Ambry Variant Classification Scheme 2023. Collection method: clinical testing. Allele origin: germline.

Genome Diagnostics Laboratory, The Hospital for Sick Children
Classification: Likely benign for Autoinflammatory syndrome. Last evaluated: 2021-05-18. Review status: criteria provided, single submitter. Criteria: ACMG Guidelines, 2015. Collection method: clinical testing. Allele origin: germline. Affected: yes.

ARUP Laboratories, Molecular Genetics and Genomics, ARUP Laboratories
Classification: Likely benign. Last evaluated: 2020-08-14. Review status: criteria provided, single submitter. Criteria: ARUP Molecular Germline Variant Investigation Process. Collection method: clinical testing. Allele origin: germline.

Illumina Laboratory Services, Illumina
Classification: Uncertain significance for Inflammatory bowel disease 1. Last evaluated: 2018-01-13. Review status: criteria provided, single submitter. Criteria: ICSL Variant Classification Criteria 13 December 2019. Collection method: clinical testing. Allele origin: germline.

Illumina Laboratory Services, Illumina
Classification: Benign for Blau syndrome. Last evaluated: 2018-01-13. Review status: criteria provided, single submitter. Criteria: ICSL Variant Classification Criteria 13 December 2019. Collection method: clinical testing. Allele origin: germline.
Comment: This variant was observed in the ICSL laboratory as part of a predisposition screen in an ostensibly healthy population. It had not been previously curated by ICSL or reported in the Human Gene Mutation Database (HGMD: prior to June 1st, 2018), and was therefore a candidate for classification through an automated scoring system. Utilizing variant allele frequency, disease prevalence and penetrance estimates, and inheritance mode, an automated score was calculated to assess if this variant is too frequent to cause the disease. Based on the score and internal cut-off values, a variant classified as benign is not then subjected to further curation. The score for this variant resulted in a classification of benign for this disease.